The following is an entry in ClinVar:

NM_000222.3(KIT):c.101C>A (p.Pro34Gln)

Gene: KIT (KIT proto-oncogene, receptor tyrosine kinase; plus strand). Cytogenetic location: 4q12.
Variant type: single nucleotide variant.
Coding change: c.101C>A on transcript NM_000222.3 (MANE Select); coding-DNA position 101, C replaced by A.
Protein change: p.Pro34Gln; replaces proline 34 with glutamine.
Molecular consequence: missense variant.
Genome position (GRCh38, 1-based): chr4:54,695,545, C>A. VCF-style: chr4-54695545-C-A. GRCh37 (hg19) VCF-style: chr4-55561711-C-A.
Other names: c.101C>A, p.Pro34Gln (NM_001093772.2, NM_001385284.1, NM_001385285.1 and 4 more transcripts); short protein forms P34Q.
Identifiers: ClinVar variation 134626 (VCV000134626.10), dbSNP rs55755457, ClinGen allele CA160365.

ClinVar aggregate classification (germline): Uncertain significance. Review status: criteria provided, single submitter (1 of 4 stars). 2 submissions from 2 submitters: Uncertain significance (1). 1 of the submissions does not count toward it. Last evaluated 2021-05-19.

Conditions:
Gastrointestinal stromal tumor. Also called: Gastrointestinal stromal tumor, somatic; Gastrointestinal stroma tumor. Identifiers: Orphanet 44890, MedGen C0238198, MeSH D046152, MONDO:0011719, OMIM 606764, HP:0100723.

gnomAD v4.1: 1 of 1,614,048 alleles (0.000062%); highest among the groups gnomAD compares: African/African-American, 0.0013%; no homozygotes.

Submissions (2):

Labcorp Genetics (formerly Invitae), Labcorp
Classification: Uncertain significance for Gastrointestinal stromal tumor. Last evaluated: 2021-05-19. Review status: criteria provided, single submitter. Criteria: Invitae Variant Classification Sherloc (09022015). Collection method: clinical testing. Allele origin: germline.
Comment: In summary, the available evidence is currently insufficient to determine the role of this variant in disease. Therefore, it has been classified as a Variant of Uncertain Significance. Algorithms developed to predict the effect of missense changes on protein structure and function (SIFT, PolyPhen-2, Align-GVGD) all suggest that this variant is likely to be tolerated, but these predictions have not been confirmed by published functional studies and their clinical significance is uncertain. This variant has not been reported in the literature in individuals with KIT-related conditions. ClinVar contains an entry for this variant (Variation ID: 134626). This variant is not present in population databases (ExAC no frequency). This sequence change replaces proline with glutamine at codon 34 of the KIT protein (p.Pro34Gln). The proline residue is weakly conserved and there is a moderate physicochemical difference between proline and glutamine.

ITMI
No classification provided. Condition: AllHighlyPenetrant. Last evaluated: 2013-09-19. Review status: no classification provided. Collection method: reference population. Allele origin: germline. Not counted in ClinVar's aggregate classification.
Comment: Please see associated publication for description of ethnicities

Literature cited by the submitters: PubMed 24728327 (cited by ITMI).